The following is an entry in ClinVar:

NM_152383.5(DIS3L2):c.265-6A>G

Gene: DIS3L2 (DIS3 like 3'-5' exoribonuclease 2; plus strand). Cytogenetic location: 2q37.1.
Variant type: single nucleotide variant.
Coding change: c.265-6A>G on transcript NM_152383.5 (MANE Select); 6 bases into the intron before coding-DNA position 265, A replaced by G.
Molecular consequence: intron variant.
Genome position (GRCh38, 1-based): chr2:232,029,973, A>G. VCF-style: chr2-232029973-A-G. GRCh37 (hg19) VCF-style: chr2-232894683-A-G.
Other names: c.265-6A>G (NM_001257281.2, NM_001257282.2).
Identifiers: ClinVar variation 1524725 (VCV001524725.6), dbSNP rs2106239663, ClinGen allele CA2573135491.
Genomic context (GRCh38, chr2:232,029,973, plus strand): 5'-GGCAATCTGTTTTTTGCTTTATGTGTTTTTAAGCTCACTATTGTTTTATTTCTTTTTCCA[A>G]CCTAGGATGGTGATCGAGACATTTTTATTGATGGGGTTGTTGCTCGTAATAGAGCCTTAA-3'

ClinVar aggregate classification (germline): Uncertain significance (1 of 4 stars; one submission).

Conditions:
Perlman syndrome (PRLMNS). Identifiers: Orphanet 2849, MedGen C0796113, MONDO:0009965, OMIM 267000.

Allele frequency attached by ClinVar (database versions not stated): gnomAD exomes below 0.00001.
gnomAD v4.1: 1 of 1,590,278 alleles (0.000063%); highest among the groups gnomAD compares: Non-Finnish European, 0.000085%; no homozygotes.

Submission:

Labcorp Genetics (formerly Invitae), Labcorp
Classification: Uncertain significance for Perlman syndrome. Last evaluated: 2022-02-28. Review status: criteria provided, single submitter. Criteria: Invitae Variant Classification Sherloc (09022015). Collection method: clinical testing. Allele origin: germline.
Comment: In summary, the available evidence is currently insufficient to determine the role of this variant in disease. Therefore, it has been classified as a Variant of Uncertain Significance. Algorithms developed to predict the effect of sequence changes on RNA splicing suggest that this variant may disrupt the consensus splice site. This variant has not been reported in the literature in individuals affected with DIS3L2-related conditions. This variant is not present in population databases (gnomAD no frequency). This sequence change falls in intron 4 of the DIS3L2 gene. It does not directly change the encoded amino acid sequence of the DIS3L2 protein.